The following is an entry in ClinVar:

NM_002354.3(EPCAM):c.220A>C (p.Asn74His)

Gene: EPCAM (epithelial cell adhesion molecule; plus strand). Cytogenetic location: 2p21.
Variant type: single nucleotide variant.
Coding change: c.220A>C on transcript NM_002354.3 (MANE Select); coding-DNA position 220, A replaced by C.
Protein change: p.Asn74His; replaces asparagine 74 with histidine.
Molecular consequence: missense variant.
Genome position (GRCh38, 1-based): chr2:47,373,843, A>C. VCF-style: chr2-47373843-A-C. GRCh37 (hg19) VCF-style: chr2-47600982-A-C.
Other names: short protein forms N74H.
Identifiers: ClinVar variation 3845277 (VCV003845277.1).
Genomic context (GRCh38, chr2:47,373,843, plus strand): 5'-TTTGGCATTAAGGTTTCTTTTTCAGTGGCTGCCAAATGTTTGGTGATGAAGGCAGAAATG[A>C]ATGGCTCAAAACTTGGGAGAAGAGCAAAACCTGAAGGGGCCCTCCAGAACAATGATGGGC-3'
Protein context (NP_002345.2, residues 64-84): AKCLVMKAEM[Asn74His]GSKLGRRAKP

ClinVar aggregate classification (germline): Uncertain significance (1 of 4 stars; one submission).

Conditions:
Hereditary cancer-predisposing syndrome. Also called: Hereditary neoplastic syndrome; Neoplastic Syndromes, Hereditary; Tumor predisposition; Hereditary Cancer Syndrome. Identifiers: Orphanet 140162, MedGen C0027672, MeSH D009386, MONDO:0015356.

Submission:

Ambry Genetics
Classification: Uncertain significance for Hereditary cancer-predisposing syndrome. Last evaluated: 2025-01-24. Review status: criteria provided, single submitter. Criteria: Ambry Variant Classification Scheme 2023. Collection method: clinical testing. Allele origin: germline.
Comment: The p.N74H variant (also known as c.220A>C), located in coding exon 3 of the EPCAM gene, results from an A to C substitution at nucleotide position 220. The asparagine at codon 74 is replaced by histidine, an amino acid with similar properties. This amino acid position is conserved. In addition, this alteration is predicted to be tolerated by in silico analysis. Based on the available evidence, the clinical significance of this variant remains unclear.